The following is an entry in ClinVar:

ClinVar aggregate classification (germline): Uncertain significance. Review status: criteria provided, multiple submitters, no conflicts (2 of 4 stars). 3 submissions from 3 submitters: Uncertain significance (3). Last evaluated 2025-08-13.

Conditions:
Inborn genetic diseases. Identifiers: MedGen C0950123, MeSH D030342.

Allele frequency attached by ClinVar (database versions not stated): gnomAD 0.00001; TOPMed 0.00001; ExAC 0.00002; gnomAD exomes 0.00002.
gnomAD v4.1: 12 of 1,614,018 alleles (0.00074%); highest among the groups gnomAD compares: Admixed American, 0.0067%; no homozygotes.

Submissions (3):

Labcorp Genetics (formerly Invitae), Labcorp
Classification: Uncertain significance. Last evaluated: 2025-08-13. Review status: criteria provided, single submitter. Criteria: Invitae Variant Classification Sherloc (09022015). Collection method: clinical testing. Allele origin: germline.
Comment: This sequence change replaces arginine, which is basic and polar, with cysteine, which is neutral and slightly polar, at codon 25 of the RP1 protein (p.Arg25Cys). This variant is present in population databases (rs778021701, gnomAD 0.01%). This variant has not been reported in the literature in individuals affected with RP1-related conditions. ClinVar contains an entry for this variant (Variation ID: 1503553). An algorithm developed to predict the effect of missense changes on protein structure and function (PolyPhen-2) suggests that this variant is likely to be disruptive. In summary, the available evidence is currently insufficient to determine the role of this variant in disease. Therefore, it has been classified as a Variant of Uncertain Significance.

Ambry Genetics
Classification: Uncertain significance for Inborn genetic diseases. Last evaluated: 2025-08-12. Review status: criteria provided, single submitter. Criteria: Ambry Variant Classification Scheme 2023. Collection method: clinical testing. Allele origin: germline.

Blueprint Genetics
Classification: Uncertain significance. Last evaluated: 2022-07-18. Review status: criteria provided, single submitter. Criteria: ACMG Guidelines, 2015. Collection method: clinical testing. Allele origin: germline.

NM_006269.2(RP1):c.73C>T (p.Arg25Cys)

Gene: RP1 (RP1 axonemal microtubule associated; plus strand). Cytogenetic location: 8q12.1.
Variant type: single nucleotide variant.
Coding change: c.73C>T on transcript NM_006269.2 (MANE Select); coding-DNA position 73, C replaced by T.
Protein change: p.Arg25Cys; replaces arginine 25 with cysteine.
Molecular consequence: missense variant.
Genome position (GRCh38, 1-based): chr8:54,621,039, C>T. VCF-style: chr8-54621039-C-T. GRCh37 (hg19) VCF-style: chr8-55533599-C-T.
Other names: c.73C>T (NM_006269.1); c.73C>T, p.Arg25Cys (NM_001375654.1); short protein forms R25C.
Identifiers: ClinVar variation 1503553 (VCV001503553.10), dbSNP rs778021701, ClinGen allele CA4751081.